The following is an entry in ClinVar:

NM_001957.4(EDNRA):c.1146A>G (p.Ser382=)

Gene: EDNRA (endothelin receptor type A; plus strand). Cytogenetic location: 4q31.23.
Variant type: single nucleotide variant.
Coding change: c.1146A>G on transcript NM_001957.4 (MANE Select); coding-DNA position 1146, A replaced by G.
Protein change: p.Ser382=; no amino-acid change (serine 382 retained).
Molecular consequence: synonymous variant. On other transcripts: non-coding transcript variant (3).
Genome position (GRCh38, 1-based): chr4:147,542,480, A>G. VCF-style: chr4-147542480-A-G. GRCh37 (hg19) VCF-style: chr4-148463632-A-G.
Other names: c.819A>G, p.Ser273= (NM_001166055.2).
Identifiers: ClinVar variation 711201 (VCV000711201.36), dbSNP rs141331809, ClinGen allele CA3098057.
Genomic context (GRCh38, chr4:147,542,480, plus strand): 5'-GTTTGGCCGGGAATGGGCTGGTAGGCTCGCCTTACTTCGAGTCTGTTCCTTCCCCCAGTC[A>G]TGCCTCTGCTGCTGCTGTTACCAGTCCAAAAGTCTGATGACCTCGGTCCCCATGAACGGA-3'
Protein context (NP_001948.1, residues 372-392): VSKKFKNCFQ[Ser382=]CLCCCCYQSK

ClinVar aggregate classification (germline): Benign/Likely benign. Review status: criteria provided, multiple submitters, no conflicts (2 of 4 stars). 5 submissions from 5 submitters: Benign (2); Likely benign (2). 1 of the submissions does not count toward it. Last evaluated 2026-07-01.

Conditions:
EDNRA-related disorder. Also called: EDNRA-related condition.
Mandibulofacial dysostosis with alopecia (MFDA). Identifiers: Orphanet 443995, MedGen C4225349, MONDO:0014608, OMIM 616367.
Migraine with or without aura, susceptibility to, 1. Identifiers: MedGen C3887485, MONDO:0008000, OMIM 157300.

Allele frequency attached by ClinVar (database versions not stated): 1000 Genomes Project 0.00160; 1000 Genomes Project 30x 0.00187; TOPMed 0.00371; ESP Exome Variant Server 0.00377; gnomAD 0.00377 and 0.00379; gnomAD exomes 0.00396 and 0.00562; ExAC 0.00416.
gnomAD v4.1: 8,738 of 1,614,094 alleles (0.54%); highest among the groups gnomAD compares: Non-Finnish European, 0.66%; 33 homozygotes.

Submissions (5):

CeGaT Center for Human Genetics Tuebingen
Classification: Likely benign. Last evaluated: 2026-07-01. Review status: criteria provided, single submitter. Criteria: CeGaT Center For Human Genetics Tuebingen Variant Classification Criteria Version 2. Collection method: clinical testing. Allele origin: germline. Affected: yes. Observed: 6 variant alleles.
Comment: EDNRA: BP4, BP7, BS2

Labcorp Genetics (formerly Invitae), Labcorp
Classification: Benign. Last evaluated: 2026-01-27. Review status: criteria provided, single submitter. Criteria: Invitae Variant Classification Sherloc (09022015). Collection method: clinical testing. Allele origin: germline.

Fulgent Genetics
Classification: Likely benign for Migraine with or without aura, susceptibility to, 1; Mandibulofacial dysostosis with alopecia. Last evaluated: 2021-07-21. Review status: criteria provided, single submitter. Criteria: ACMG Guidelines, 2015. Collection method: clinical testing. Allele origin: unknown.

Breakthrough Genomics
Classification: Benign. Review status: criteria provided, single submitter. Criteria: ACMG Guidelines, 2015. Collection method: not provided. Allele origin: germline. Inheritance: Autosomal dominant inheritance. Affected: yes.

PreventionGenetics, part of Exact Sciences
Classification: Likely benign for EDNRA-related condition. Last evaluated: 2020-02-24. Review status: no assertion criteria provided. Collection method: clinical testing. Allele origin: germline. Not counted in ClinVar's aggregate classification.
Comment: This variant is classified as likely benign based on ACMG/AMP sequence variant interpretation guidelines (Richards et al. 2015 PMID: 25741868, with internal and published modifications).